The following is an entry in ClinVar:

NM_000051.4(ATM):c.7307+3_7307+4insGTTC

Genes: ATM (ATM serine/threonine kinase; plus strand), C11orf65 (chromosome 11 open reading frame 65; minus strand). Cytogenetic location: 11q22.3.
Variant type: Insertion.
Coding change: c.7307+3_7307+4insGTTC on transcript NM_000051.4 (MANE Select); bases 3 to 4 of the intron after coding-DNA position 7307, GTTC inserted.
Molecular consequence: intron variant.
Genome position: GRCh38 VCF-style: chr11-108329241-A-AGTTC. GRCh37 (hg19) VCF-style: chr11-108199968-A-AGTTC.
Other names: c.7307+3_7307+4insGTTC (NM_001351834.2); c.641-20171_641-20170insGAAC (NM_001330368.2); c.*38+5978_*38+5979insGAAC (NM_001351110.2).
Identifiers: ClinVar variation 142182 (VCV000142182.31), dbSNP rs587782288, ClinGen allele CA167693.
Genomic context (GRCh38, chr11:108,329,241, plus strand): 5'-TGAAAAGAGCCAAAGAGGAAGTAGGTCTCCTTAGGGAACATAAAATTCAGACAAACAGGT[A>AGTTC]ACTAGGTTTCTACAAGTGACAATTTTATGTTCACCAGTTAACTGAGTGAGTGTTTTTGCA-3'

ClinVar aggregate classification (germline): Conflicting classifications of pathogenicity. Review status: criteria provided, conflicting classifications (1 of 4 stars). 5 submissions from 5 submitters: Pathogenic (1); Likely pathogenic (1); Uncertain significance (2). 1 of the submissions does not count toward it. Last evaluated 2026-01-26.

Conditions:
Hereditary cancer-predisposing syndrome. Also called: Neoplastic Syndromes, Hereditary; Hereditary Cancer Syndrome; Tumor predisposition; Hereditary neoplastic syndrome. Identifiers: Orphanet 140162, MedGen C0027672, MeSH D009386, MONDO:0015356.
Ataxia-telangiectasia syndrome (AT). Also called: Ataxia-telangiectasia, complementation group D; AT, COMPLEMENTATION GROUP C; Ataxia-telangiectasia; ATAXIA-TELANGIECTASIA, COMPLEMENTATION GROUP A; ATAXIA-TELANGIECTASIA, FRESNO VARIANT; Ataxia-telangiectasia, complementation group E. Identifiers: Orphanet 100, MedGen C0004135, MONDO:0008840, OMIM 208900.

Allele frequency attached by ClinVar (database versions not stated): gnomAD exomes 0.00001.

Submissions (5):

Labcorp Genetics (formerly Invitae), Labcorp
Classification: Pathogenic for Ataxia-telangiectasia syndrome. Last evaluated: 2026-01-26. Review status: criteria provided, single submitter. Criteria: Invitae Variant Classification Sherloc (09022015). Collection method: clinical testing. Allele origin: germline.
Comment: This sequence change falls in intron 49 of the ATM gene. It does not directly change the encoded amino acid sequence of the ATM protein. RNA analysis indicates that this variant induces altered splicing and may result in an absent or altered protein product. This variant is present in population databases (rs587782288, gnomAD 0.002%). This variant has not been reported in the literature in individuals affected with ATM-related conditions. ClinVar contains an entry for this variant (Variation ID: 142182). Variants that disrupt the consensus splice site are a relatively common cause of aberrant splicing (PMID: 17576681, 9536098). Studies have shown that this variant results in activation of a cryptic splice site, and produces a non-functional protein and/or introduces a premature termination codon (internal data). For these reasons, this variant has been classified as Pathogenic.

Molecular Pathology, Peter Maccallum Cancer Centre
Classification: Uncertain significance for Ataxia-telangiectasia syndrome. Last evaluated: 2025-06-02. Review status: criteria provided, single submitter. Criteria: ACMG Guidelines, 2015. Collection method: clinical testing. Allele origin: germline. Inheritance: Autosomal recessive inheritance.

Ambry Genetics
Classification: Likely pathogenic for Hereditary cancer-predisposing syndrome. Last evaluated: 2024-11-26. Review status: criteria provided, single submitter. Criteria: Ambry Variant Classification Scheme 2023. Collection method: clinical testing. Allele origin: germline.
Comment: The c.7307+3_7307+4insGTTC intronic variant results from an insertion of 4 nucleotides, 4 nucleotides after coding exon 48 in the ATM gene. In silico splice site analysis for this alteration is inconclusive. RNA studies have demonstrated that this alteration results in abnormal splicing in the set of samples tested (Ambry internal data). This variant is considered to be rare based on population cohorts in the Genome Aggregation Database (gnomAD). Based on the majority of available evidence to date, this variant is likely to be pathogenic.

Color Diagnostics, LLC DBA Color Health
Classification: Uncertain significance for Hereditary cancer-predisposing syndrome. Last evaluated: 2023-02-09. Review status: criteria provided, single submitter. Criteria: ACMG Guidelines, 2015. Collection method: clinical testing. Allele origin: germline.
Comment: This variant causes the insertion of four nucleotides in intron 49 of the ATM gene, impacting the non-canonical splice site sequences of the splice donor site. This variant has been reported to impact RNA splicing by an external laboratory, however, detailed data are not available for review (ClinVar SCV000186110.7). This variant has not been reported in individuals affected with hereditary cancer in the literature. This variant has been identified in 2/248266 chromosomes in the general population by the Genome Aggregation Database (gnomAD). The available evidence is insufficient to determine the role of this variant in disease conclusively. Therefore, this variant is classified as a Variant of Uncertain Significance.

Natera, Inc.
Classification: Uncertain significance for Ataxia-telangiectasia. Last evaluated: 2019-10-28. Review status: no assertion criteria provided. Collection method: clinical testing. Allele origin: germline. Not counted in ClinVar's aggregate classification.

Literature cited by the submitters: PubMed 17576681 (cited by Labcorp Genetics (formerly Invitae), Labcorp); PubMed 9536098 (cited by Labcorp Genetics (formerly Invitae), Labcorp).